The following is an entry in ClinVar:

ClinVar aggregate classification (germline): Likely benign. Review status: criteria provided, multiple submitters, no conflicts (2 of 4 stars). 4 submissions from 4 submitters: Likely benign (4). Last evaluated 2025-07-03.

Conditions:
Cardiovascular phenotype. Identifiers: MedGen CN230736.
Hypertrophic cardiomyopathy 10. Also called: CARDIOMYOPATHY, HYPERTROPHIC, MID-LEFT VENTRICULAR CHAMBER TYPE, 2; MYL2-Related Familial Hypertrophic Cardiomyopathy. Identifiers: MedGen C1834460, MONDO:0012112, OMIM 608758.
Hypertrophic cardiomyopathy. Also called: HYPERTROPHIC MYOCARDIOPATHY. Identifiers: Orphanet 217569, MedGen C0007194, MeSH D002312, MONDO:0005045, HP:0001639.
Cardiomyopathy (CMYO). Also called: Cardiomyopathies. Identifiers: Orphanet 167848, MedGen C0878544, MONDO:0004994, HP:0001638. Inheritance: Various modes of inheritance.

Allele frequency attached by ClinVar (database versions not stated): gnomAD exomes 0.00001; ExAC 0.00002; gnomAD 0.00002; TOPMed 0.00003; ESP Exome Variant Server 0.00008.

Submissions (4):

Labcorp Genetics (formerly Invitae), Labcorp
Classification: Likely benign for Hypertrophic cardiomyopathy 10. Last evaluated: 2025-07-03. Review status: criteria provided, single submitter. Criteria: Invitae Variant Classification Sherloc (09022015). Collection method: clinical testing. Allele origin: germline.

All of Us Research Program, National Institutes of Health
Classification: Likely benign for Hypertrophic cardiomyopathy. Last evaluated: 2024-07-10. Review status: criteria provided, single submitter. Criteria: ACMG Guidelines, 2015. Collection method: clinical testing. Allele origin: germline. Inheritance: Autosomal dominant inheritance. Observed: 3 variant alleles, 3 heterozygotes.
Comment: This study involves interpretation of variants in research participants for the purpose of population health screening. Participant phenotype was not available at the time of variant classification. Additional details can be found in publication PMID: 35346344, PMCID: PMC8962531

Color Diagnostics, LLC DBA Color Health
Classification: Likely benign for Cardiomyopathy. Last evaluated: 2019-10-01. Review status: criteria provided, single submitter. Criteria: ACMG Guidelines, 2015. Collection method: clinical testing. Allele origin: germline.

Ambry Genetics
Classification: Likely benign for Cardiovascular phenotype. Last evaluated: 2019-06-13. Review status: criteria provided, single submitter. Criteria: Ambry Variant Classification Scheme 2023. Collection method: clinical testing. Allele origin: germline.

NM_000432.4(MYL2):c.216G>A (p.Glu72=)

Gene: MYL2 (myosin light chain 2; minus strand). Cytogenetic location: 12q24.11.
Variant type: single nucleotide variant.
Coding change: c.216G>A on transcript NM_000432.4 (MANE Select); coding-DNA position 216, G replaced by A.
Protein change: p.Glu72=; no amino-acid change (glutamic acid 72 retained).
Molecular consequence: synonymous variant.
Genome position (GRCh38, 1-based): chr12:110,914,244, C>T on the plus strand (G>A on the coding strand, the complement: MYL2 is on the minus strand). VCF-style: chr12-110914244-C-T. GRCh37 (hg19) VCF-style: chr12-111352048-C-T.
Identifiers: ClinVar variation 464142 (VCV000464142.14), dbSNP rs376506450, ClinGen allele CA040768.